The following is an entry in ClinVar:

ClinVar aggregate classification (germline): Uncertain significance. Review status: criteria provided, multiple submitters, no conflicts (2 of 4 stars). 6 submissions from 6 submitters: Uncertain significance (5). 1 of the submissions does not count toward it. Last evaluated 2026-04-08.

Conditions:
Inborn genetic diseases. Identifiers: MedGen C0950123, MeSH D030342.
CEP290-related disorder. Also called: CEP290-related disorders; CEP290-related condition. Identifiers: MedGen CN239314.
Nephronophthisis. Also called: Juvenile Nephronophthisis. Identifiers: Orphanet 655, MedGen C0687120, MONDO:0019005, HP:0000090.
Meckel-Gruber syndrome. Also called: GRUBER SYNDROME; Dysencephalia splachnocystica; DYSENCEPHALIA SPLANCHNOCYSTICA. Identifiers: Orphanet 564, MedGen C0265215, MONDO:0018921.
Joubert syndrome. Also called: JOUBERT-BOLTSHAUSER SYNDROME; Familial aplasia of the vermis. Identifiers: Orphanet 475, MedGen C5979921, MONDO:0018772.
Joubert syndrome 5 (JBTS5). Identifiers: Orphanet 2318, MedGen C1857780, MONDO:0012432, OMIM 610188.
Meckel syndrome, type 4 (MKS4). Also called: MECKEL-GRUBER SYNDROME, TYPE 4. Identifiers: Orphanet 564, MedGen C1970161, MONDO:0012626, OMIM 611134.
Bardet-Biedl syndrome 14 (BBS14). Identifiers: Orphanet 110, MedGen C2673874, MONDO:0014442, OMIM 615991.
Senior-Loken syndrome 6 (SLSN6). Identifiers: Orphanet 3156, MedGen C1857779, MONDO:0012433, OMIM 610189.
Leber congenital amaurosis 10 (LCA10). Identifiers: Orphanet 65, MedGen C1857821, MONDO:0012723, OMIM 611755.
Leber congenital amaurosis (LCA). Also called: Leber's amaurosis. Identifiers: Orphanet 65, MedGen C0339527, MeSH D057130, MONDO:0018998.

Allele frequency attached by ClinVar (database versions not stated): gnomAD exomes below 0.00001 and 0.00001; ExAC 0.00001; gnomAD 0.00007 and 0.00009; TOPMed 0.00007; ESP Exome Variant Server 0.00009.
gnomAD v4.1: 16 of 1,603,678 alleles (0.001%); highest among the groups gnomAD compares: African/African-American, 0.022%; no homozygotes.

Submissions (6):

PreventionGenetics, part of Exact Sciences
Classification: Uncertain significance for CEP290-related condition. Last evaluated: 2026-04-08. Review status: criteria provided, single submitter. Criteria: ACMG Guidelines, 2015. Collection method: clinical testing. Allele origin: germline.
Comment: The CEP290 c.2098C>T variant is predicted to result in the amino acid substitution p.His700Tyr. To our knowledge, this variant has not been reported in the literature. This variant is reported in 0.026% of alleles in individuals of African descent in gnomAD. At this time, the clinical significance of this variant is uncertain due to the absence of conclusive functional and genetic evidence.

Fulgent Genetics
Classification: Uncertain significance for Joubert syndrome 5; Senior-Loken syndrome 6; Meckel syndrome, type 4; Leber congenital amaurosis 10; Bardet-Biedl syndrome 14. Last evaluated: 2024-04-19. Review status: criteria provided, single submitter. Criteria: ACMG Guidelines, 2015. Collection method: clinical testing. Allele origin: germline.

Blueprint Genetics
Classification: Uncertain significance. Last evaluated: 2023-09-11. Review status: criteria provided, single submitter. Criteria: ACMG Guidelines, 2015. Collection method: clinical testing. Allele origin: germline.

Labcorp Genetics (formerly Invitae), Labcorp
Classification: Uncertain significance for Joubert syndrome; Meckel-Gruber syndrome; Nephronophthisis. Last evaluated: 2022-08-07. Review status: criteria provided, single submitter. Criteria: Invitae Variant Classification Sherloc (09022015). Collection method: clinical testing. Allele origin: germline.
Comment: This sequence change replaces histidine, which is basic and polar, with tyrosine, which is neutral and polar, at codon 700 of the CEP290 protein (p.His700Tyr). The frequency data for this variant in the population databases is considered unreliable, as metrics indicate poor data quality at this position in the gnomAD database. This variant has not been reported in the literature in individuals affected with CEP290-related conditions. ClinVar contains an entry for this variant (Variation ID: 461778). Algorithms developed to predict the effect of missense changes on protein structure and function are either unavailable or do not agree on the potential impact of this missense change (SIFT: "Deleterious"; PolyPhen-2: "Probably Damaging"; Align-GVGD: "Class C0"). In summary, the available evidence is currently insufficient to determine the role of this variant in disease. Therefore, it has been classified as a Variant of Uncertain Significance.

Ambry Genetics
Classification: Uncertain significance for Inborn genetic diseases. Last evaluated: 2021-04-14. Review status: criteria provided, single submitter. Criteria: Ambry Variant Classification Scheme 2023. Collection method: clinical testing. Allele origin: germline.

Natera, Inc.
Classification: Uncertain significance for Leber congenital amaurosis. Last evaluated: 2019-10-28. Review status: no assertion criteria provided. Collection method: clinical testing. Allele origin: germline. Not counted in ClinVar's aggregate classification.

NM_025114.4(CEP290):c.2098C>T (p.His700Tyr)

Gene: CEP290 (centrosomal protein 290; minus strand). Cytogenetic location: 12q21.32.
Variant type: single nucleotide variant.
Coding change: c.2098C>T on transcript NM_025114.4 (MANE Select); coding-DNA position 2098, C replaced by T.
Protein change: p.His700Tyr; replaces histidine 700 with tyrosine.
Molecular consequence: missense variant.
Genome position (GRCh38, 1-based): chr12:88,111,813, G>A on the plus strand (C>T on the coding strand, the complement: CEP290 is on the minus strand). VCF-style: chr12-88111813-G-A. GRCh37 (hg19) VCF-style: chr12-88505590-G-A.
Other names: short protein forms H700Y.
Identifiers: ClinVar variation 461778 (VCV000461778.13), dbSNP rs369104382, ClinGen allele CA6712399.